The following is an entry in ClinVar:

NM_014251.3(SLC25A13):c.420del (p.Glu141fs)

Gene: SLC25A13 (solute carrier family 25 member 13; minus strand). Cytogenetic location: 7q21.3.
Variant type: Deletion.
Coding change: c.420del on transcript NM_014251.3 (MANE Select); coding-DNA position 420, one base deleted (A; older notation c.420delA).
Protein change: p.Glu141fs; shifts the reading frame from glutamic acid 141.
Molecular consequence: frameshift variant. On other transcripts: non-coding transcript variant (1).
Genome position (GRCh38, 1-based): chr7:96,208,886, T deleted on the plus strand (A on the coding strand, the reverse complement: SLC25A13 is on the minus strand); the first of 4 consecutive T bases (chr7:96,208,886-96,208,889); deleting any one gives the same sequence. VCF-style (leftmost placement, unchanged base first): chr7-96208885-CT-C. GRCh37 (hg19) VCF-style: chr7-95838197-CT-C.
Other names: c.420del, p.Glu141fs (NM_001160210.2); short protein forms E141fs.
Identifiers: ClinVar variation 1068567 (VCV001068567.7), dbSNP rs1562844289, ClinGen allele CA918078630.

ClinVar aggregate classification (germline): Pathogenic (1 of 4 stars; one submission).

Conditions:
Citrin deficiency. Identifiers: Orphanet 247582, MedGen C1997910, MONDO:0016602.

Submission:

Labcorp Genetics (formerly Invitae), Labcorp
Classification: Pathogenic for Citrin deficiency. Last evaluated: 2020-07-26. Review status: criteria provided, single submitter. Criteria: Invitae Variant Classification Sherloc (09022015). Collection method: clinical testing. Allele origin: germline.
Comment: For these reasons, this variant has been classified as Pathogenic. This sequence change creates a premature translational stop signal (p.Glu141Lysfs*6) in the SLC25A13 gene. It is expected to result in an absent or disrupted protein product. This variant is not present in population databases (ExAC no frequency). This variant has not been reported in the literature in individuals with SLC25A13-related conditions. Loss-of-function variants in SLC25A13 are known to be pathogenic (PMID: 10369257, 14680984, 27405544).

Literature cited by the submitters: PubMed 10369257; PubMed 14680984; PubMed 27405544.